The following is an entry in ClinVar:

ClinVar aggregate classification (germline): Likely benign (1 of 4 stars; one submission).

Allele frequency attached by ClinVar (database versions not stated): 1000 Genomes Project 0.00020; ExAC 0.00001; gnomAD exomes 0.00001; gnomAD 0.00002; TOPMed 0.00002; 1000 Genomes Project 30x 0.00016.
gnomAD v4.1: 8 of 1,614,100 alleles (0.0005%); highest among the groups gnomAD compares: African/African-American, 0.0027%; no homozygotes.

Submission:

CeGaT Center for Human Genetics Tuebingen
Classification: Likely benign. Last evaluated: 2023-09-01. Review status: criteria provided, single submitter. Criteria: CeGaT Center For Human Genetics Tuebingen Variant Classification Criteria Version 2. Collection method: clinical testing. Allele origin: germline. Affected: yes. Observed: 1 variant allele.
Comment: NRXN1: BP4, BP7

NM_001330078.2(NRXN1):c.4317C>T (p.Ala1439=)

Gene: NRXN1 (neurexin 1; minus strand). Cytogenetic location: 2p16.3.
Variant type: single nucleotide variant.
Coding change: c.4317C>T on transcript NM_001330078.2 (MANE Select); coding-DNA position 4317, C replaced by T.
Protein change: p.Ala1439=; no amino-acid change (alanine 1439 retained).
Molecular consequence: synonymous variant.
Genome position (GRCh38, 1-based): chr2:49,922,151, G>A on the plus strand (C>T on the coding strand, the complement: NRXN1 is on the minus strand). VCF-style: chr2-49922151-G-A. GRCh37 (hg19) VCF-style: chr2-50149289-G-A.
Other names: c.4284C>T, p.Ala1428= (NM_001330082.2); c.4152C>T, p.Ala1384= (NM_001330083.2); c.4251C>T, p.Ala1417= (NM_001330084.2); c.4290C>T, p.Ala1430= (NM_001330085.2); c.4308C>T, p.Ala1436= (NM_001330086.2); c.4116C>T, p.Ala1372= (NM_001330087.2); c.4137C>T, p.Ala1379= (NM_001330088.2); c.1203C>T, p.Ala401= (NM_001330091.2); and 12 more.
Identifiers: ClinVar variation 2650902 (VCV002650902.24), dbSNP rs571834255, ClinGen allele CA1654224.
Genomic context (GRCh38, chr2:49,922,151, plus strand): 5'-ATCCCGGTTTCTGTACTTGTACATGGCATAGAGGAGGATAAGGATGCACAGGGCGGCAGC[G>A]GCTACTATCCCAACGACCATACCCGTGGTGCTGCTGGACTCCCGGATCACTTCTGCTGAG-3'
Protein context (NP_001317007.1, residues 1429-1449): STTGMVVGIV[Ala1439=]AAALCILILL